The following is an entry in ClinVar:

NM_144973.4(DENND5B):c.1759C>G (p.Arg587Gly)

Gene: DENND5B (DENN domain containing 5B; minus strand). Cytogenetic location: 12p11.21.
Variant type: single nucleotide variant.
Coding change: c.1759C>G on transcript NM_144973.4 (MANE Select); coding-DNA position 1759, C replaced by G.
Protein change: p.Arg587Gly; replaces arginine 587 with glycine.
Molecular consequence: missense variant.
Genome position (GRCh38, 1-based): chr12:31,447,640, G>C on the plus strand (C>G on the coding strand, the complement: DENND5B is on the minus strand). VCF-style: chr12-31447640-G-C. GRCh37 (hg19) VCF-style: chr12-31600574-G-C.
Other names: c.1864C>G, p.Arg622Gly (NM_001308339.2); c.1825C>G, p.Arg609Gly (NM_001366890.1); short protein forms R587G, R609G, R622G.
Identifiers: ClinVar variation 4530751 (VCV004530751.2).

ClinVar aggregate classification (germline): Uncertain significance (1 of 4 stars; one submission).

Submission:

GeneDx
Classification: Uncertain significance. Last evaluated: 2026-10-10. Review status: criteria provided, single submitter. Criteria: GeneDx Variant Classification Process June 2021. Collection method: clinical testing. Allele origin: germline.
Comment: Not observed at significant frequency in large population cohorts (gnomAD); In silico analysis supports that this missense variant has a deleterious effect on protein structure/function; Has not been previously published as pathogenic or benign to our knowledge